The following is an entry in ClinVar:

NM_025114.4(CEP290):c.2708TAG[1] (p.Val904del)

Gene: CEP290 (centrosomal protein 290; minus strand). Cytogenetic location: 12q21.32.
Variant type: Microsatellite.
Coding change: c.2708TAG[1] on transcript NM_025114.4 (MANE Select); one copy of the 3-base unit TAG starting at c.2708; the reference has two copies in a row; one copy, 3 bases deleted.
Protein change: p.Val904del; deletes valine 904.
Molecular consequence: inframe deletion.
Genome position (GRCh38, 1-based): chr12:88,106,779-88,106,781, CTA deleted on the plus strand (TAG on the coding strand, the reverse complement: CEP290 is on the minus strand); deleting any 3 consecutive bases within chr12:88,106,779-88,106,784 gives the same sequence; the position shown is the placement nearest the transcript's 3' end. VCF-style (leftmost placement, unchanged base first): chr12-88106778-TCTA-T. GRCh37 (hg19) VCF-style: chr12-88500555-TCTA-T.
Other names: short protein forms V904del.
Identifiers: ClinVar variation 4986527 (VCV004986527.1).

ClinVar aggregate classification (germline): Uncertain significance (1 of 4 stars; one submission).

Conditions:
CEP290-related disorder. Also called: CEP290-related disorders; CEP290-related condition. Identifiers: MedGen CN239314.

Submission:

PreventionGenetics, part of Exact Sciences
Classification: Uncertain significance for CEP290-related condition. Last evaluated: 2026-07-23. Review status: criteria provided, single submitter. Criteria: ACMG Guidelines, 2015. Collection method: clinical testing. Allele origin: germline.
Comment: The CEP290 c.2711_2713delTAG variant is predicted to result in an in-frame deletion (p.Val904del). To our knowledge, this variant has not been reported in the literature or in a large population database (gnomAD), indicating this variant is rare. At this time, the clinical significance of this variant is uncertain due to the absence of conclusive functional and genetic evidence.